The following is an entry in ClinVar:

NM_005560.6(LAMA5):c.2674G>C (p.Gly892Arg)

Gene: LAMA5 (laminin subunit alpha 5; minus strand). Cytogenetic location: 20q13.33.
Variant type: single nucleotide variant.
Coding change: c.2674G>C on transcript NM_005560.6 (MANE Select); coding-DNA position 2674, G replaced by C.
Protein change: p.Gly892Arg; replaces glycine 892 with arginine.
Molecular consequence: missense variant.
Genome position (GRCh38, 1-based): chr20:62,334,251, C>G on the plus strand (G>C on the coding strand, the complement: LAMA5 is on the minus strand). VCF-style: chr20-62334251-C-G. GRCh37 (hg19) VCF-style: chr20-60909307-C-G.
Other names: short protein forms G892R.
Identifiers: ClinVar variation 2125002 (VCV002125002.4), dbSNP rs2516125853, ClinGen allele CA409569623.

ClinVar aggregate classification (germline): Uncertain significance (1 of 4 stars; one submission).

Submission:

Labcorp Genetics (formerly Invitae), Labcorp
Classification: Uncertain significance. Last evaluated: 2024-10-24. Review status: criteria provided, single submitter. Criteria: Invitae Variant Classification Sherloc (09022015). Collection method: clinical testing. Allele origin: germline.
Comment: This sequence change replaces glycine, which is neutral and non-polar, with arginine, which is basic and polar, at codon 892 of the LAMA5 protein (p.Gly892Arg). This variant is not present in population databases (gnomAD no frequency). This variant has not been reported in the literature in individuals affected with LAMA5-related conditions. ClinVar contains an entry for this variant (Variation ID: 2125002). An algorithm developed to predict the effect of missense changes on protein structure and function (PolyPhen-2) suggests that this variant is likely to be disruptive. In summary, the available evidence is currently insufficient to determine the role of this variant in disease. Therefore, it has been classified as a Variant of Uncertain Significance.